The following is an entry in ClinVar:

NM_017739.4(POMGNT1):c.354G>C (p.Thr118=)

Gene: POMGNT1 (protein O-linked mannose N-acetylglucosaminyltransferase 1 (beta 1,2-); minus strand). Cytogenetic location: 1p34.1.
Variant type: single nucleotide variant.
Coding change: c.354G>C on transcript NM_017739.4 (MANE Select); coding-DNA position 354, G replaced by C.
Protein change: p.Thr118=; no amino-acid change (threonine 118 retained).
Molecular consequence: synonymous variant. On other transcripts: 5 prime UTR variant (1).
Genome position (GRCh38, 1-based): chr1:46,196,731, C>G on the plus strand (G>C on the coding strand, the complement: POMGNT1 is on the minus strand). VCF-style: chr1-46196731-C-G. GRCh37 (hg19) VCF-style: chr1-46662403-C-G.
Other names: c.354G>C, p.Thr118= (NM_001243766.2, NM_001410783.1); c.288G>C, p.Thr96= (NM_001290129.3); c.-76G>C (NM_001290130.2).
Identifiers: ClinVar variation 2948478 (VCV002948478.3), dbSNP rs1262087747, ClinGen allele CA417719231.

ClinVar aggregate classification (germline): Uncertain significance (1 of 4 stars; one submission).

Conditions:
Autosomal recessive limb-girdle muscular dystrophy type 2O. Also called: Limb-Girdle Muscular Dystrophy Type 3C; MUSCULAR DYSTROPHY-DYSTROGLYCANOPATHY (LIMB-GIRDLE), TYPE C, 3; MUSCULAR DYSTROPHY-DYSTROGLYCANOPATHY, LIMB-GIRDLE, POMGNT1-RELATED. Identifiers: Orphanet 206564, MedGen C3150417, MONDO:0013161, OMIM 613157.
Muscular dystrophy-dystroglycanopathy (congenital with impaired intellectual development), type B, 3. Also called: MUSCULAR DYSTROPHY, CONGENITAL, POMGNT1-RELATED; Muscular dystrophy-dystroglycanopathy (congenital with intellectual disability), type B3. Identifiers: MedGen C3150412, MONDO:0013155, OMIM 613151.

Submission:

Labcorp Genetics (formerly Invitae), Labcorp
Classification: Uncertain significance for Autosomal recessive limb-girdle muscular dystrophy type 2O; Muscular dystrophy-dystroglycanopathy (congenital with impaired intellectual development), type B, 3. Last evaluated: 2024-11-11. Review status: criteria provided, single submitter. Criteria: Invitae Variant Classification Sherloc (09022015). Collection method: clinical testing. Allele origin: germline.
Comment: This sequence change affects codon 118 of the POMGNT1 mRNA. It is a 'silent' change, meaning that it does not change the encoded amino acid sequence of the POMGNT1 protein. This variant also falls at the last nucleotide of exon 4, which is part of the consensus splice site for this exon. This variant is not present in population databases (gnomAD no frequency). This variant has not been reported in the literature in individuals affected with POMGNT1-related conditions. ClinVar contains an entry for this variant (Variation ID: 2948478). Variants that disrupt the consensus splice site are a relatively common cause of aberrant splicing (PMID: 17576681, 9536098). Algorithms developed to predict the effect of sequence changes on RNA splicing suggest that this variant may disrupt the consensus splice site. In summary, the available evidence is currently insufficient to determine the role of this variant in disease. Therefore, it has been classified as a Variant of Uncertain Significance.

Literature cited by the submitters: PubMed 17576681; PubMed 9536098.